The following is an entry in ClinVar:

ClinVar aggregate classification (germline): Uncertain significance (1 of 4 stars; one submission).

gnomAD v4.1: 3 of 1,614,042 alleles (0.00019%); highest among the groups gnomAD compares: Admixed American, 0.005%; no homozygotes.

Submission:

Labcorp Genetics (formerly Invitae), Labcorp
Classification: Uncertain significance. Last evaluated: 2026-01-18. Review status: criteria provided, single submitter. Criteria: Invitae Variant Classification Sherloc (09022015). Collection method: clinical testing. Allele origin: germline.
Comment: This sequence change replaces glycine, which is neutral and non-polar, with glutamic acid, which is acidic and polar, at codon 676 of the ABCC2 protein (p.Gly676Glu). This variant is not present in population databases (gnomAD no frequency). This variant has not been reported in the literature in individuals affected with ABCC2-related conditions. Invitae Evidence Modeling of protein sequence and biophysical properties (such as structural, functional, and spatial information, amino acid conservation, physicochemical variation, residue mobility, and thermodynamic stability) indicates that this missense variant is expected to disrupt ABCC2 protein function with a positive predictive value of 80%. This variant disrupts the p.Gly676 amino acid residue in ABCC2. Other variant(s) that disrupt this residue have been determined to be pathogenic (PMID: 12884082, 34150028). This suggests that this residue is clinically significant, and that variants that disrupt this residue are likely to be disease-causing. In summary, the available evidence is currently insufficient to determine the role of this variant in disease. Therefore, it has been classified as a Variant of Uncertain Significance.

Literature cited by the submitters: PubMed 12884082; PubMed 34150028.

NM_000392.5(ABCC2):c.2027G>A (p.Gly676Glu)

Gene: ABCC2 (ATP binding cassette subfamily C member 2; plus strand). Cytogenetic location: 10q24.2.
Variant type: single nucleotide variant.
Coding change: c.2027G>A on transcript NM_000392.5 (MANE Select); coding-DNA position 2027, G replaced by A.
Protein change: p.Gly676Glu; replaces glycine 676 with glutamic acid.
Molecular consequence: missense variant.
Genome position (GRCh38, 1-based): chr10:99,813,077, G>A. VCF-style: chr10-99813077-G-A. GRCh37 (hg19) VCF-style: chr10-101572834-G-A.
Other names: short protein forms G676E.
Identifiers: ClinVar variation 4763587 (VCV004763587.1).
Genomic context (GRCh38, chr10:99,813,077, plus strand): 5'-GTGTGAACCTGGACATTATGGCAGGCCAACTTGTGGCTGTGATAGGCCCTGTCGGCTCTG[G>A]GAAATCCTCCTTGATATCAGCCATGCTGGGAGAAATGGAAAATGTCCACGGGCACATCAC-3'
Protein context (NP_000383.2, residues 666-686): LVAVIGPVGS[Gly676Glu]KSSLISAMLG